The following is an entry in ClinVar:

NM_000213.5(ITGB4):c.4435C>A (p.His1479Asn)

Genes: GALK1 (galactokinase 1; minus strand), ITGB4 (integrin subunit beta 4; plus strand). Cytogenetic location: 17q25.1.
Variant type: single nucleotide variant.
Coding change: c.4435C>A on transcript NM_000213.5 (MANE Select); coding-DNA position 4435, C replaced by A.
Protein change: p.His1479Asn; replaces histidine 1479 with asparagine.
Molecular consequence: missense variant. On other transcripts: intron variant (1).
Genome position (GRCh38, 1-based): chr17:75,754,692, C>A. VCF-style: chr17-75754692-C-A. GRCh37 (hg19) VCF-style: chr17-73750773-C-A.
Other names: c.4225C>A, p.His1409Asn (NM_001005619.2, NM_001005731.3, NM_001321123.2 and 1 more transcripts); c.*23-2955G>T (NM_001381985.1); short protein forms H1409N, H1479N.
Identifiers: ClinVar variation 2903378 (VCV002903378.5), dbSNP rs563670896, ClinGen allele CA8770108.

ClinVar aggregate classification (germline): Conflicting classifications of pathogenicity. Review status: criteria provided, conflicting classifications (1 of 4 stars). 3 submissions from 3 submitters: Uncertain significance (1); Likely benign (1). 1 of the submissions does not count toward it. Last evaluated 2024-04-24.

Conditions:
Inborn genetic diseases. Identifiers: MedGen C0950123, MeSH D030342.
ITGB4-related disorder. Also called: ITGB4-related condition.

Allele frequency attached by ClinVar (database versions not stated): TOPMed below 0.00001; gnomAD 0.00002; ExAC 0.00011; 1000 Genomes Project 0.00040; 1000 Genomes Project 30x 0.00031.

Submissions (3):

Labcorp Genetics (formerly Invitae), Labcorp
Classification: Likely benign. Last evaluated: 2024-04-24. Review status: criteria provided, single submitter. Criteria: Invitae Variant Classification Sherloc (09022015). Collection method: clinical testing. Allele origin: germline.

Ambry Genetics
Classification: Uncertain significance for Inborn genetic diseases. Last evaluated: 2023-10-05. Review status: criteria provided, single submitter. Criteria: Ambry Variant Classification Scheme 2023. Collection method: clinical testing. Allele origin: germline.

PreventionGenetics, part of Exact Sciences
Classification: Uncertain significance for ITGB4-related condition. Last evaluated: 2024-04-23. Review status: no assertion criteria provided. Collection method: clinical testing. Allele origin: germline. Not counted in ClinVar's aggregate classification.
Comment: The ITGB4 c.4435C>A variant is predicted to result in the amino acid substitution p.His1479Asn. To our knowledge, this variant has not been reported in the literature. This variant is reported in 0.082% of alleles in individuals of South Asian descent in gnomAD. Although we suspect that this variant may be benign, at this time, the clinical significance of this variant is uncertain due to the absence of conclusive functional and genetic evidence.